The following is an entry in ClinVar:

NM_018136.5(ASPM):c.5303G>A (p.Arg1768Gln)

Gene: ASPM (assembly factor for spindle microtubules; minus strand). Cytogenetic location: 1q31.3.
Variant type: single nucleotide variant.
Coding change: c.5303G>A on transcript NM_018136.5 (MANE Select); coding-DNA position 5303, G replaced by A.
Protein change: p.Arg1768Gln; replaces arginine 1768 with glutamine.
Molecular consequence: missense variant. On other transcripts: intron variant (1).
Genome position (GRCh38, 1-based): chr1:197,103,948, C>T on the plus strand (G>A on the coding strand, the complement: ASPM is on the minus strand). VCF-style: chr1-197103948-C-T. GRCh37 (hg19) VCF-style: chr1-197073078-C-T.
Other names: c.4066-7784G>A (NM_001206846.2); c.5303G>A (NM_018136.4); short protein forms R1768Q.
Identifiers: ClinVar variation 1465902 (VCV001465902.4), dbSNP rs781557550, ClinGen allele CA1309780.
Genomic context (GRCh38, chr1:197,103,948, plus strand): 5'-TATGCATGATAGTAATTCTGAATGACAATAATTGCTTTATACATTTTCAGATAATACTGC[C>T]GAGCCTTTCTCATTCTGAAATAAGACTGTAGTGAAATAACAGCTTTTCTTTGTAACCTCA-3'
Protein context (NP_060606.3, residues 1758-1778): LQSYFRMRKA[Arg1768Gln]QYYLKMYKAI

ClinVar aggregate classification (germline): Uncertain significance. Review status: criteria provided, multiple submitters, no conflicts (2 of 4 stars). 2 submissions from 2 submitters: Uncertain significance (2). Last evaluated 2024-11-13.

Conditions:
Inborn genetic diseases. Identifiers: MedGen C0950123, MeSH D030342.

Allele frequency attached by ClinVar (database versions not stated): TOPMed 0.00002; gnomAD 0.00003 and 0.00001.
gnomAD v4.1: 27 of 1,612,356 alleles (0.0017%); highest among the groups gnomAD compares: Middle Eastern, 0.016%; no homozygotes.

Submissions (2):

Ambry Genetics
Classification: Uncertain significance for Inborn genetic diseases. Last evaluated: 2024-11-13. Review status: criteria provided, single submitter. Criteria: Ambry Variant Classification Scheme 2023. Collection method: clinical testing. Allele origin: germline.

Labcorp Genetics (formerly Invitae), Labcorp
Classification: Uncertain significance. Last evaluated: 2022-06-27. Review status: criteria provided, single submitter. Criteria: Invitae Variant Classification Sherloc (09022015). Collection method: clinical testing. Allele origin: germline.
Comment: This sequence change replaces arginine, which is basic and polar, with glutamine, which is neutral and polar, at codon 1768 of the ASPM protein (p.Arg1768Gln). This variant is present in population databases (rs781557550, gnomAD 0.003%). This variant has not been reported in the literature in individuals affected with ASPM-related conditions. Algorithms developed to predict the effect of missense changes on protein structure and function output the following: SIFT: "Tolerated"; PolyPhen-2: "Possibly Damaging"; Align-GVGD: "Class C0". The glutamine amino acid residue is found in multiple mammalian species, which suggests that this missense change does not adversely affect protein function. In summary, the available evidence is currently insufficient to determine the role of this variant in disease. Therefore, it has been classified as a Variant of Uncertain Significance.